The following is an entry in ClinVar:

ClinVar aggregate classification (germline): Likely benign (0 of 4 stars; one submission).

Conditions:
NCOA1-related disorder. Also called: NCOA1-related condition.

gnomAD v4.1: 17 of 1,613,892 alleles (0.0011%); highest among the groups gnomAD compares: African/African-American, 0.008%; no homozygotes.

Submission:

PreventionGenetics, part of Exact Sciences
Classification: Likely benign for NCOA1-related condition. Last evaluated: 2022-11-23. Review status: no assertion criteria provided. Collection method: clinical testing. Allele origin: germline.
Comment: This variant is classified as likely benign based on ACMG/AMP sequence variant interpretation guidelines (Richards et al. 2015 PMID: 25741868, with internal and published modifications).

NM_003743.5(NCOA1):c.3915G>A (p.Thr1305=)

Gene: NCOA1 (nuclear receptor coactivator 1; plus strand). Cytogenetic location: 2p23.3.
Variant type: single nucleotide variant.
Coding change: c.3915G>A on transcript NM_003743.5 (MANE Select); coding-DNA position 3915, G replaced by A.
Protein change: p.Thr1305=; no amino-acid change (threonine 1305 retained).
Molecular consequence: synonymous variant.
Genome position (GRCh38, 1-based): chr2:24,758,006, G>A. VCF-style: chr2-24758006-G-A. GRCh37 (hg19) VCF-style: chr2-24980875-G-A.
Other names: c.3915G>A, p.Thr1305= (NM_001362950.1, NM_001362952.1, NM_001362954.1 and 3 more transcripts).
Identifiers: ClinVar variation 3357004 (VCV003357004.1).
Genomic context (GRCh38, chr2:24,758,006, plus strand): 5'-TAATCTGGATTGTTTTTGAGTTTACAGTGTGTTCAGTCAAGCTGTCCAGAACCAGCCCAC[G>A]CCTGCACAGCCAGGAGTATACAACAACATGAGCATCACCGTTTCCATGGCAGGTGGAAAT-3'
Protein context (NP_003734.3, residues 1295-1315): VFSQAVQNQP[Thr1305=]PAQPGVYNNM